The following is an entry in ClinVar:

NM_000094.4(COL7A1):c.2050+3C>T

Gene: COL7A1 (collagen type VII alpha 1 chain; minus strand). Cytogenetic location: 3p21.31.
Variant type: single nucleotide variant.
Coding change: c.2050+3C>T on transcript NM_000094.4 (MANE Select); 3 bases into the intron after coding-DNA position 2050, C replaced by T.
Molecular consequence: intron variant.
Genome position (GRCh38, 1-based): chr3:48,590,210, G>A on the plus strand (C>T on the coding strand, the complement: COL7A1 is on the minus strand). VCF-style: chr3-48590210-G-A. GRCh37 (hg19) VCF-style: chr3-48627643-G-A.
Identifiers: ClinVar variation 1982902 (VCV001982902.1), dbSNP rs1299534929, ClinGen allele CA907763026.

ClinVar aggregate classification (germline): Uncertain significance (1 of 4 stars; one submission).

Allele frequency attached by ClinVar (database versions not stated): TOPMed below 0.00001.

Submission:

Labcorp Genetics (formerly Invitae), Labcorp
Classification: Uncertain significance. Last evaluated: 2022-04-02. Review status: criteria provided, single submitter. Criteria: Invitae Variant Classification Sherloc (09022015). Collection method: clinical testing. Allele origin: germline.
Comment: This sequence change falls in intron 15 of the COL7A1 gene. It does not directly change the encoded amino acid sequence of the COL7A1 protein. It affects a nucleotide within the consensus splice site. This variant is not present in population databases (gnomAD no frequency). This variant has not been reported in the literature in individuals affected with COL7A1-related conditions. Variants that disrupt the consensus splice site are a relatively common cause of aberrant splicing (PMID: 17576681, 9536098). Algorithms developed to predict the effect of sequence changes on RNA splicing suggest that this variant is not likely to affect RNA splicing. In summary, the available evidence is currently insufficient to determine the role of this variant in disease. Therefore, it has been classified as a Variant of Uncertain Significance.

Literature cited by the submitters: PubMed 17576681; PubMed 9536098.